The following is an entry in ClinVar:

NM_001206641.3(COA6):c.212+163G>A

Gene: COA6 (cytochrome c oxidase assembly factor 6; plus strand). Cytogenetic location: 1q42.2.
Variant type: single nucleotide variant.
Coding change: c.212+163G>A on transcript NM_001206641.3 (MANE Select); 163 bases into the intron after coding-DNA position 212, G replaced by A.
Molecular consequence: intron variant. On other transcripts: 5 prime UTR variant (1), splice donor variant (1).
Genome position (GRCh38, 1-based): chr1:234,373,841, G>A. VCF-style: chr1-234373841-G-A. GRCh37 (hg19) VCF-style: chr1-234509587-G-A.
Other names: c.-405G>A (NM_001301733.1); c.122+1G>A (NM_001012985.2).
Identifiers: ClinVar variation 1690965 (VCV001690965.2), dbSNP rs947861426, ClinGen allele CA345294186.

ClinVar aggregate classification (germline): Likely pathogenic (1 of 4 stars; one submission).

Submission:

Laboratorio de Genetica e Diagnostico Molecular, Hospital Israelita Albert Einstein
Classification: Likely pathogenic. Last evaluated: 2020-11-13. Review status: criteria provided, single submitter. Criteria: ACMG Guidelines, 2015. Collection method: clinical testing. Allele origin: germline. Affected: yes.
Comment: ACMG classification criteria: PVS1, PM2